The following is an entry in ClinVar:

ClinVar aggregate classification (germline): Uncertain significance. Review status: criteria provided, multiple submitters, no conflicts (2 of 4 stars). 4 submissions from 4 submitters: Uncertain significance (4). Last evaluated 2026-01-22.

Conditions:
Myopathy, proximal, and ophthalmoplegia (CMYO6). Also called: INCLUSION BODY MYOPATHY 3, AUTOSOMAL DOMINANT; CONGENITAL MYOPATHY 6 WITH OPHTHALMOPLEGIA; MYOPATHY WITH CONGENITAL JOINT CONTRACTURES, OPHTHALMOPLEGIA, AND RIMMED VACUOLES. Identifiers: Orphanet 363677, Orphanet 79091, MedGen C1854106, MONDO:0011577, OMIM 605637.

Allele frequency attached by ClinVar (database versions not stated): 1000 Genomes Project 30x 0.00016; 1000 Genomes Project 0.00020; ExAC 0.00032; gnomAD exomes 0.00044; gnomAD 0.00049 and 0.00053; ESP Exome Variant Server 0.00062; TOPMed 0.00065.
gnomAD v4.1: 1,187 of 1,613,750 alleles (0.074%); highest among the groups gnomAD compares: Admixed American, 0.1%; no homozygotes.

Submissions (4):

Labcorp Genetics (formerly Invitae), Labcorp
Classification: Uncertain significance for Myopathy, proximal, and ophthalmoplegia. Last evaluated: 2026-01-22. Review status: criteria provided, single submitter. Criteria: Invitae Variant Classification Sherloc (09022015). Collection method: clinical testing. Allele origin: germline.
Comment: This sequence change replaces glutamic acid, which is acidic and polar, with aspartic acid, which is acidic and polar, at codon 941 of the MYH2 protein (p.Glu941Asp). This variant is present in population databases (rs138206136, gnomAD 0.08%), and has an allele count higher than expected for a pathogenic variant. This variant has not been reported in the literature in individuals affected with MYH2-related conditions. ClinVar contains an entry for this variant (Variation ID: 465931). Invitae Evidence Modeling of protein sequence and biophysical properties (such as structural, functional, and spatial information, amino acid conservation, physicochemical variation, residue mobility, and thermodynamic stability) indicates that this missense variant is not expected to disrupt MYH2 protein function with a negative predictive value of 80%. In summary, the available evidence is currently insufficient to determine the role of this variant in disease. Therefore, it has been classified as a Variant of Uncertain Significance.

Revvity Omics, Revvity
Classification: Uncertain significance for Myopathy, proximal, and ophthalmoplegia. Last evaluated: 2024-10-22. Review status: criteria provided, single submitter. Criteria: ACMG Guidelines, 2015. Collection method: clinical testing. Allele origin: germline.

Blueprint Genetics
Classification: Uncertain significance. Last evaluated: 2024-10-02. Review status: criteria provided, single submitter. Criteria: ACMG Guidelines, 2015. Collection method: clinical testing. Allele origin: germline.

GeneDx
Classification: Uncertain significance. Last evaluated: 2022-05-20. Review status: criteria provided, single submitter. Criteria: GeneDx Variant Classification Process June 2021. Collection method: clinical testing. Allele origin: germline. Affected: yes.
Comment: In silico analysis supports that this missense variant does not alter protein structure/function; Has not been previously published as pathogenic or benign to our knowledge

NM_017534.6(MYH2):c.2823G>T (p.Glu941Asp)

Genes: MYH2 (myosin heavy chain 2; minus strand), MYHAS (myosin heavy chain gene cluster antisense RNA; plus strand). Cytogenetic location: 17p13.1.
Variant type: single nucleotide variant.
Coding change: c.2823G>T on transcript NM_017534.6 (MANE Select); coding-DNA position 2823, G replaced by T.
Protein change: p.Glu941Asp; replaces glutamic acid 941 with aspartic acid.
Molecular consequence: missense variant.
Genome position (GRCh38, 1-based): chr17:10,529,949, C>A on the plus strand (G>T on the coding strand, the complement: MYH2 is on the minus strand). VCF-style: chr17-10529949-C-A. GRCh37 (hg19) VCF-style: chr17-10433266-C-A.
Other names: c.2823G>T, p.Glu941Asp (NM_001100112.2); short protein forms E941D.
Identifiers: ClinVar variation 465931 (VCV000465931.14), dbSNP rs138206136, ClinGen allele CA8391059.